The following is an entry in ClinVar:

ClinVar aggregate classification (germline): Uncertain significance. Review status: criteria provided, multiple submitters, no conflicts (2 of 4 stars). 2 submissions from 2 submitters: Uncertain significance (2). Last evaluated 2025-02-19.

Conditions:
Inborn genetic diseases. Identifiers: MedGen C0950123, MeSH D030342.

Allele frequency attached by ClinVar (database versions not stated): gnomAD exomes below 0.00001; ExAC 0.00002; gnomAD 0.00004; 1000 Genomes Project 30x 0.00016; 1000 Genomes Project 0.00020.

Submissions (2):

Ambry Genetics
Classification: Uncertain significance for Inborn genetic diseases. Last evaluated: 2025-02-19. Review status: criteria provided, single submitter. Criteria: Ambry Variant Classification Scheme 2023. Collection method: clinical testing. Allele origin: germline.

Labcorp Genetics (formerly Invitae), Labcorp
Classification: Uncertain significance. Last evaluated: 2022-01-08. Review status: criteria provided, single submitter. Criteria: Invitae Variant Classification Sherloc (09022015). Collection method: clinical testing. Allele origin: germline.
Comment: This sequence change replaces arginine, which is basic and polar, with tryptophan, which is neutral and slightly polar, at codon 284 of the CKAP2L protein (p.Arg284Trp). This variant is present in population databases (rs536752121, gnomAD 0.01%). This variant has not been reported in the literature in individuals affected with CKAP2L-related conditions. Algorithms developed to predict the effect of missense changes on protein structure and function are either unavailable or do not agree on the potential impact of this missense change (SIFT: "Deleterious"; PolyPhen-2: "Benign"; Align-GVGD: "Class C0"). In summary, the available evidence is currently insufficient to determine the role of this variant in disease. Therefore, it has been classified as a Variant of Uncertain Significance.

NM_152515.5(CKAP2L):c.850C>T (p.Arg284Trp)

Gene: CKAP2L (cytoskeleton associated protein 2 like; minus strand). Cytogenetic location: 2q14.1.
Variant type: single nucleotide variant.
Coding change: c.850C>T on transcript NM_152515.5 (MANE Select); coding-DNA position 850, C replaced by T.
Protein change: p.Arg284Trp; replaces arginine 284 with tryptophan.
Molecular consequence: missense variant.
Genome position (GRCh38, 1-based): chr2:112,756,521, G>A on the plus strand (C>T on the coding strand, the complement: CKAP2L is on the minus strand). VCF-style: chr2-112756521-G-A. GRCh37 (hg19) VCF-style: chr2-113514098-G-A.
Other names: c.355C>T, p.Arg119Trp (NM_001304361.2); c.850C>T (NM_152515.3); short protein forms R119W, R284W.
Identifiers: ClinVar variation 2175192 (VCV002175192.2), dbSNP rs536752121, ClinGen allele CA1836781.